The following is an entry in ClinVar:

NM_001114753.3(ENG):c.67del (p.Ser23fs)

Gene: ENG (endoglin; minus strand). Cytogenetic location: 9q34.11.
Variant type: Deletion.
Coding change: c.67del on transcript NM_001114753.3 (MANE Select); coding-DNA position 67, one base deleted (A; older notation c.67delA).
Protein change: p.Ser23fs; shifts the reading frame from serine 23.
Molecular consequence: frameshift variant.
Genome position (GRCh38, 1-based): chr9:127,854,289, T deleted on the plus strand (A on the coding strand, the reverse complement: ENG is on the minus strand); the first of 2 consecutive T bases (chr9:127,854,289-127,854,290); deleting either gives the same sequence. VCF-style (leftmost placement, unchanged base first): chr9-127854288-CT-C. GRCh37 (hg19) VCF-style: chr9-130616567-CT-C.
Other names: c.66delA, p.Ser23Valfs (NM_000118.4, NM_001406715.1); c.67delA (NM_000118.3); short protein forms S23fs.
Identifiers: ClinVar variation 237029 (VCV000237029.11), dbSNP rs878853658, ClinGen allele CA10582617.
Genomic context (GRCh38, chr9:127,854,288, plus strand): 5'-TTGGGGCCTGGTCCGTGCACCGGAGGCCGAGTCTCCCCACCCTGGGTCCCTGGACACCTA[CT>C]TGTGGGGCTGAGGCTGCAGCTGGCCAGCAGCAGGGCAACAGCCAGAGGGAGCGTGCCGCG-3'

ClinVar aggregate classification (germline): Pathogenic (1 of 4 stars; one submission).

Conditions:
Hereditary hemorrhagic telangiectasia (HHT). Also called: ORW DISEASE; Osler Weber Rendu syndrome; OSLER-RENDU-WEBER DISEASE; Osler hemorrhagic telangiectasia syndrome. Identifiers: Orphanet 774, MedGen C0039445, MONDO:0019180. Disease mechanism: loss of function.

Submission:

Labcorp Genetics (formerly Invitae), Labcorp
Classification: Pathogenic for Hereditary hemorrhagic telangiectasia. Last evaluated: 2020-04-20. Review status: criteria provided, single submitter. Criteria: Invitae Variant Classification Sherloc (09022015). Collection method: clinical testing. Allele origin: germline.
Comment: For these reasons, this variant has been classified as Pathogenic. Loss-of-function variants in ENG are known to be pathogenic (PMID: 12673790, 21158752). This particular variant has been reported in an individual tested for suspected hereditary hemorrhagic telangiectasia (HHT) that presented with epistaxis as the only HHT-related symptom (PMID: 21158752). This sequence change deletes 1 nucleotide in exon 1 of the ENG mRNA (c.67delA), causing a frameshift at codon 23. This creates a premature translational stop signal (p.Ser23Valfs*20) and is expected to result in an absent or disrupted protein product.

Literature cited by the submitters: PubMed 12673790; PubMed 21158752.